The following is an entry in ClinVar:

ClinVar aggregate classification (germline): Uncertain significance (0 of 4 stars; one submission).

Allele frequency attached by ClinVar (database versions not stated): gnomAD exomes below 0.00001.
gnomAD v4.1: 1 of 1,614,150 alleles (0.000062%); highest among the groups gnomAD compares: South Asian, 0.0011%; no homozygotes.

Submission:

Department of Pathology and Laboratory Medicine, Sinai Health System
Classification: Uncertain significance. Review status: no assertion criteria provided. Collection method: clinical testing. Allele origin: unknown. Affected: yes. Study: The Canadian Open Genetics Repository (COGR).
Comment: The TCF20 p.Asn468His variant was not identified in the literature nor was it identified in dbSNP, ClinVar or in the following control databases: the 1000 Genomes Project, the NHLBI GO Exome Sequencing Project, the Exome Aggregation Consortium (August 8th 2016), or the Genome Aggregation Database (March 6, 2019, v2.1.1). The p.Asn468 residue is conserved in mammals and computational analyses (PolyPhen-2, SIFT, AlignGVGD, BLOSUM, MutationTaster) provide inconsistent predictions regarding the impact to the protein; this information is not very predictive of pathogenicity. The variant occurs outside of the splicing consensus sequence and in silico or computational prediction software programs (SpliceSiteFinder, MaxEntScan, NNSPLICE, GeneSplicer) do not predict a difference in splicing. In summary, based on the above information the clinical significance of this variant cannot be determined with certainty at this time. This variant is classified as a variant of uncertain significance.

NM_001378418.1(TCF20):c.1402A>C (p.Asn468His)

Gene: TCF20 (transcription factor 20; minus strand). Cytogenetic location: 22q13.2.
Variant type: single nucleotide variant.
Coding change: c.1402A>C on transcript NM_001378418.1 (MANE Select); coding-DNA position 1402, A replaced by C.
Protein change: p.Asn468His; replaces asparagine 468 with histidine.
Molecular consequence: missense variant.
Genome position (GRCh38, 1-based): chr22:42,213,904, T>G on the plus strand (A>C on the coding strand, the complement: TCF20 is on the minus strand). VCF-style: chr22-42213904-T-G. GRCh37 (hg19) VCF-style: chr22-42609910-T-G.
Other names: c.1402A>C, p.Asn468His (NM_005650.4, NM_181492.3); short protein forms N468H.
Identifiers: ClinVar variation 1049920 (VCV001049920.1), dbSNP rs2147217206, ClinGen allele CA411790896.
Genomic context (GRCh38, chr22:42,213,904, plus strand): 5'-TCTTGGAGGTCTTCTTCTGAGGAGTCAGGGCATCAGAAAGTAACATGTGCTGGACAGTGT[T>G]AGGAAGATTGGCCACTTGAGTACTCAGAGCACTCAAACTACTCAACCCAGGATCTGTCAG-3'
Protein context (NP_001365347.1, residues 458-478): ALSTQVANLP[Asn468His]TVQHMLLSDA